The following is an entry in ClinVar:

NM_001371904.1(APOA5):c.883C>T (p.Gln295Ter)

Gene: APOA5 (apolipoprotein A5; minus strand). Cytogenetic location: 11q23.3.
Variant type: single nucleotide variant.
Coding change: c.883C>T on transcript NM_001371904.1 (MANE Select); coding-DNA position 883, C replaced by T.
Protein change: p.Gln295Ter; replaces glutamine 295 with a stop codon.
Molecular consequence: nonsense.
Genome position (GRCh38, 1-based): chr11:116,790,346, G>A on the plus strand (C>T on the coding strand, the complement: APOA5 is on the minus strand). VCF-style: chr11-116790346-G-A. GRCh37 (hg19) VCF-style: chr11-116661062-G-A.
Other names: p.Gln295*; c.883C>T, p.Gln295Ter (NM_001166598.2, NM_052968.5); short protein forms Q295*.
Identifiers: ClinVar variation 3381072 (VCV003381072.2).

ClinVar aggregate classification (germline): Conflicting classifications of pathogenicity. Review status: criteria provided, conflicting classifications (1 of 4 stars). 2 submissions from 2 submitters: Pathogenic (1); Uncertain significance (1). Last evaluated 2025-07-14.

Submissions (2):

Labcorp Genetics (formerly Invitae), Labcorp
Classification: Uncertain significance. Last evaluated: 2025-07-14. Review status: criteria provided, single submitter. Criteria: Invitae Variant Classification Sherloc (09022015). Collection method: clinical testing. Allele origin: germline.
Comment: This sequence change creates a premature translational stop signal (p.Gln295*) in the APOA5 gene. While this is not anticipated to result in nonsense mediated decay, it is expected to disrupt the last 72 amino acid(s) of the APOA5 protein. This variant is present in population databases (rs765011895, gnomAD 0.002%). This premature translational stop signal has been observed in individual(s) with APOA5-related conditions (PMID: 21993410, 25487149, 28951076, 32041611). ClinVar contains an entry for this variant (Variation ID: 3381072). In summary, the available evidence is currently insufficient to determine the role of this variant in disease. Therefore, it has been classified as a Variant of Uncertain Significance.

Mayo Clinic Laboratories, Mayo Clinic
Classification: Pathogenic. Last evaluated: 2023-11-22. Review status: criteria provided, single submitter. Criteria: ACMG Guidelines, 2015. Collection method: clinical testing. Allele origin: germline. Observed: 1 variant allele.
Comment: PP1, PM3_supporting, PVS1

Literature cited by the submitters: PubMed 21993410 (cited by Labcorp Genetics (formerly Invitae), Labcorp and Mayo Clinic Laboratories, Mayo Clinic); PubMed 25487149 (cited by Labcorp Genetics (formerly Invitae), Labcorp and Mayo Clinic Laboratories, Mayo Clinic); PubMed 28951076 (cited by Labcorp Genetics (formerly Invitae), Labcorp and Mayo Clinic Laboratories, Mayo Clinic); PubMed 32041611 (cited by Labcorp Genetics (formerly Invitae), Labcorp and Mayo Clinic Laboratories, Mayo Clinic); PubMed 31619059 (cited by Mayo Clinic Laboratories, Mayo Clinic).